The following is an entry in ClinVar:

NM_174878.3(CLRN1):c.637T>C (p.Phe213Leu)

Gene: CLRN1 (clarin 1; minus strand). Cytogenetic location: 3q25.1.
Variant type: single nucleotide variant.
Coding change: c.637T>C on transcript NM_174878.3 (MANE Select); coding-DNA position 637, T replaced by C.
Protein change: p.Phe213Leu; replaces phenylalanine 213 with leucine.
Molecular consequence: missense variant. On other transcripts: 3 prime UTR variant (1), non-coding transcript variant (1), intron variant (1).
Genome position (GRCh38, 1-based): chr3:150,927,998, A>G on the plus strand (T>C on the coding strand, the complement: CLRN1 is on the minus strand). VCF-style: chr3-150927998-A-G. GRCh37 (hg19) VCF-style: chr3-150645785-A-G.
Other names: c.676T>C, p.Phe226Leu (NM_001195794.1); c.*251T>C (NM_001256819.2); c.342+67T>C (NM_052995.2); short protein forms F226L, F213L.
Identifiers: ClinVar variation 1370033 (VCV001370033.4), dbSNP rs1373061249, ClinGen allele CA354952890.

ClinVar aggregate classification (germline): Uncertain significance (1 of 4 stars; one submission).

Allele frequency attached by ClinVar (database versions not stated): gnomAD exomes below 0.00001 and 0.00001; gnomAD 0.00001.
gnomAD v4.1: 3 of 1,614,102 alleles (0.00019%); highest among the groups gnomAD compares: Admixed American, 0.005%; no homozygotes.

Submission:

Labcorp Genetics (formerly Invitae), Labcorp
Classification: Uncertain significance. Last evaluated: 2025-03-17. Review status: criteria provided, single submitter. Criteria: Invitae Variant Classification Sherloc (09022015). Collection method: clinical testing. Allele origin: germline.
Comment: This sequence change replaces phenylalanine, which is neutral and non-polar, with leucine, which is neutral and non-polar, at codon 213 of the CLRN1 protein (p.Phe213Leu). This variant is present in population databases (no rsID available, gnomAD 0.003%). This variant has not been reported in the literature in individuals affected with CLRN1-related conditions. ClinVar contains an entry for this variant (Variation ID: 1370033). An algorithm developed to predict the effect of missense changes on protein structure and function (PolyPhen-2) suggests that this variant is likely to be tolerated. In summary, the available evidence is currently insufficient to determine the role of this variant in disease. Therefore, it has been classified as a Variant of Uncertain Significance.